The following is an entry in ClinVar:

ClinVar aggregate classification (germline): Conflicting classifications of pathogenicity. Review status: criteria provided, conflicting classifications (1 of 4 stars). 8 submissions from 8 submitters: Uncertain significance (2); Benign (1); Likely benign (3). 2 of the submissions do not count toward it. Last evaluated 2026-01-27.

Conditions:
ETFA-related disorder. Also called: ETFA-related condition.
Multiple acyl-CoA dehydrogenase deficiency (MADD). Also called: Glutaric acidemia type II; GA 2; Glutaric aciduria, type 2; ETHYLMALONIC-ADIPICACIDURIA; GA II; Glutaric Acidemia type 2. Identifiers: Orphanet 26791, MedGen C0268596, MONDO:0009282, OMIM 231680.

Allele frequency attached by ClinVar (database versions not stated): TOPMed 0.00033; gnomAD exomes 0.00049 and 0.00065; ExAC 0.00059; gnomAD 0.00074 and 0.00079; ESP Exome Variant Server 0.00100.
gnomAD v4.1: 807 of 1,613,016 alleles (0.05%); highest among the groups gnomAD compares: Non-Finnish European, 0.05%; 3 homozygotes.

Submissions (8):

Labcorp Genetics (formerly Invitae), Labcorp
Classification: Likely benign for Multiple acyl-CoA dehydrogenase deficiency. Last evaluated: 2026-01-27. Review status: criteria provided, single submitter. Criteria: Invitae Variant Classification Sherloc (09022015). Collection method: clinical testing. Allele origin: germline.

Mayo Clinic Laboratories, Mayo Clinic
Classification: Benign. Last evaluated: 2024-11-22. Review status: criteria provided, single submitter. Criteria: ACMG Guidelines, 2015. Collection method: clinical testing. Allele origin: germline. Observed: 3 variant alleles.
Comment: BS1, BS2

Blueprint Genetics
Classification: Likely benign. Last evaluated: 2024-11-11. Review status: criteria provided, single submitter. Criteria: ACMG Guidelines, 2015. Collection method: clinical testing. Allele origin: germline.

GeneDx
Classification: Likely benign. Last evaluated: 2024-06-07. Review status: criteria provided, single submitter. Criteria: GeneDx Variant Classification Process June 2021. Collection method: clinical testing. Allele origin: germline. Affected: yes.
Comment: See Variant Classification Assertion Criteria.

Illumina Laboratory Services, Illumina
Classification: Uncertain significance for Multiple acyl-CoA dehydrogenase deficiency. Last evaluated: 2018-01-13. Review status: criteria provided, single submitter. Criteria: ICSL Variant Classification Criteria 13 December 2019. Collection method: clinical testing. Allele origin: germline.

Eurofins Ntd Llc (ga)
Classification: Uncertain significance. Last evaluated: 2017-01-10. Review status: criteria provided, single submitter. Criteria: EGL Classification Definitions 2015. Collection method: clinical testing. Allele origin: germline. Observed: 1 variant allele, 1 heterozygote.

PreventionGenetics, part of Exact Sciences
Classification: Likely benign for ETFA-related condition. Last evaluated: 2022-11-14. Review status: no assertion criteria provided. Collection method: clinical testing. Allele origin: germline. Not counted in ClinVar's aggregate classification.
Comment: This variant is classified as likely benign based on ACMG/AMP sequence variant interpretation guidelines (Richards et al. 2015 PMID: 25741868, with internal and published modifications).

Natera, Inc.
Classification: Likely benign for Glutaric aciduria type 2. Last evaluated: 2020-09-16. Review status: no assertion criteria provided. Collection method: clinical testing. Allele origin: germline. Not counted in ClinVar's aggregate classification.

NM_000126.4(ETFA):c.533C>G (p.Thr178Arg)

Gene: ETFA (electron transfer flavoprotein subunit alpha; minus strand). Cytogenetic location: 15q24.2.
Variant type: single nucleotide variant.
Coding change: c.533C>G on transcript NM_000126.4 (MANE Select); coding-DNA position 533, C replaced by G.
Protein change: p.Thr178Arg; replaces threonine 178 with arginine.
Molecular consequence: missense variant.
Genome position (GRCh38, 1-based): chr15:76,286,400, G>C on the plus strand (C>G on the coding strand, the complement: ETFA is on the minus strand). VCF-style: chr15-76286400-G-C. GRCh37 (hg19) VCF-style: chr15-76578741-G-C.
Other names: p.T178R:ACA>AGA; p.Thr178Arg; c.386C>G, p.Thr129Arg (NM_001127716.2); short protein forms T178R, T129R.
Identifiers: ClinVar variation 203687 (VCV000203687.29), dbSNP rs140169311, ClinGen allele CA312477.